The following is an entry in ClinVar:

NM_003242.6(TGFBR2):c.347C>T (p.Ala116Val)

Gene: TGFBR2 (transforming growth factor beta receptor 2; plus strand). Cytogenetic location: 3p24.1.
Variant type: single nucleotide variant.
Coding change: c.347C>T on transcript NM_003242.6 (MANE Select); coding-DNA position 347, C replaced by T.
Protein change: p.Ala116Val; replaces alanine 116 with valine.
Molecular consequence: missense variant. On other transcripts: intron variant (2).
Genome position (GRCh38, 1-based): chr3:30,650,353, C>T. VCF-style: chr3-30650353-C-T. GRCh37 (hg19) VCF-style: chr3-30691845-C-T.
Other names: c.422C>T, p.Ala141Val (NM_001024847.3, NM_001407126.1, NM_001407139.1); c.347C>T, p.Ala116Val (NM_001407127.1, NM_001407130.1); c.374C>T, p.Ala125Val (NM_001407128.1); c.242C>T, p.Ala81Val (NM_001407129.1, NM_001407132.1, NM_001407133.1 and 3 more transcripts); c.170-21285C>T (NM_001407137.1); c.95-21285C>T (NM_001407138.1); short protein forms A116V, A125V, A141V, A81V.
Identifiers: ClinVar variation 2637113 (VCV002637113.3), dbSNP rs779603895, ClinGen allele CA048044.
Genomic context (GRCh38, chr3:30,650,353, plus strand): 5'-CACTAGAGACAGTTTGCCATGACCCCAAGCTCCCCTACCATGACTTTATTCTGGAAGATG[C>T]TGCTTCTCCAAAGTGCATTATGAAGGAAAAAAAAAAGCCTGGTGAGACTTTCTTCATGTG-3'
Protein context (NP_003233.4, residues 106-126): LPYHDFILED[Ala116Val]ASPKCIMKEK

ClinVar aggregate classification (germline): Uncertain significance. Review status: criteria provided, multiple submitters, no conflicts (2 of 4 stars). 3 submissions from 3 submitters: Uncertain significance (3). Last evaluated 2025-05-15.

Conditions:
Familial thoracic aortic aneurysm and aortic dissection (TAAD). Also called: Thoracic aortic aneurysms and dissections. Identifiers: Orphanet 91387, MedGen C4707243, MONDO:0019625.
Loeys-Dietz syndrome 2 (LDS2). Also called: Marfan syndrome, type 2 (formerly); TGFBR2-Related Loeys-Dietz Syndrome; AORTIC ANEURYSM, FAMILIAL THORACIC 3; MARFAN SYNDROME, TYPE II; Marfan Syndrome type 2; Marfan like connective tissue disorder. Identifiers: Orphanet 284973, Orphanet 558, MedGen C2674574, MONDO:0012427, OMIM 610168.
TGFBR2-related disorder. Also called: TGFBR2-related condition.

Allele frequency attached by ClinVar (database versions not stated): ExAC 0.00001; TOPMed 0.00002.

Submissions (3):

Ambry Genetics
Classification: Uncertain significance for Familial thoracic aortic aneurysm and aortic dissection. Last evaluated: 2025-05-15. Review status: criteria provided, single submitter. Criteria: Ambry Variant Classification Scheme 2023. Collection method: clinical testing. Allele origin: germline.
Comment: The p.A116V variant (also known as c.347C>T), located in coding exon 3 of the TGFBR2 gene, results from a C to T substitution at nucleotide position 347. The alanine at codon 116 is replaced by valine, an amino acid with similar properties. This amino acid position is conserved. In addition, this alteration is predicted to be tolerated by in silico analysis. Based on the available evidence, the clinical significance of this variant remains unclear.

All of Us Research Program, National Institutes of Health
Classification: Uncertain significance for Loeys-Dietz syndrome 2. Last evaluated: 2024-07-29. Review status: criteria provided, single submitter. Criteria: ACMG Guidelines, 2015. Collection method: clinical testing. Allele origin: germline. Inheritance: Autosomal dominant inheritance. Observed: 1 variant allele, 1 heterozygote.
Comment: This missense variant replaces alanine with valine at codon 116 of the TGFBR2 protein. Computational prediction suggests that this variant may not impact protein structure and function (internally defined REVEL score threshold <= 0.5, PMID: 27666373). To our knowledge, functional studies have not been reported for this variant. This variant has not been reported in individuals affected with TGFBR2-related disorders in the literature. This variant has been identified in 2/250978 chromosomes in the general population by the Genome Aggregation Database (gnomAD). The available evidence is insufficient to determine the role of this variant in disease conclusively. Therefore, this variant is classified as a Variant of Uncertain Significance.

This study involves interpretation of variants in research participants for the purpose of population health screening. Participant phenotype was not available at the time of variant classification. Additional details can be found in publication PMID: 35346344, PMCID: PMC8962531

PreventionGenetics, part of Exact Sciences
Classification: Uncertain significance for TGFBR2-related condition. Last evaluated: 2023-05-01. Review status: criteria provided, single submitter. Criteria: ACMG Guidelines, 2015. Collection method: clinical testing. Allele origin: germline.
Comment: The TGFBR2 c.347C>T variant is predicted to result in the amino acid substitution p.Ala116Val. To our knowledge, this variant has not been reported in the literature. This variant is reported in 0.012% of alleles in individuals of African descent in gnomAD. At this time, the clinical significance of this variant is uncertain due to the absence of conclusive functional and genetic evidence.